The following is an entry in ClinVar:

NM_000836.4(GRIN2D):c.181G>C (p.Ala61Pro)

Genes: GRIN2D (glutamate ionotropic receptor NMDA type subunit 2D; plus strand), LOC130064855 (ATAC-STARR-seq lymphoblastoid silent region 10879; plus strand). Cytogenetic location: 19q13.33.
Variant type: single nucleotide variant.
Coding change: c.181G>C on transcript NM_000836.4 (MANE Select); coding-DNA position 181, G replaced by C.
Protein change: p.Ala61Pro; replaces alanine 61 with proline.
Molecular consequence: missense variant.
Genome position (GRCh38, 1-based): chr19:48,398,573, G>C. VCF-style: chr19-48398573-G-C. GRCh37 (hg19) VCF-style: chr19-48901830-G-C.
Other names: short protein forms A61P.
Identifiers: ClinVar variation 2431944 (VCV002431944.1), dbSNP rs2147434329, ClinGen allele CA406688447.

ClinVar aggregate classification (germline): Uncertain significance (1 of 4 stars; one submission).

Conditions:
Developmental and epileptic encephalopathy, 46 (DEE46). Also called: GRIN2D-Related Developmental and Epileptic Encephalopathy; Epileptic encephalopathy, early infantile, 46. Identifiers: MedGen C4310687, MONDO:0014947, OMIM 617162.

Submission:

Laboratorio de Genetica e Diagnostico Molecular, Hospital Israelita Albert Einstein
Classification: Uncertain significance for Developmental and epileptic encephalopathy, 46. Last evaluated: 2022-04-04. Review status: criteria provided, single submitter. Criteria: ACMG Guidelines, 2015. Collection method: clinical testing. Allele origin: germline. Affected: yes. Observed: 1 variant allele.
Comment: ACMG classification criteria: PM2 moderated, BP4 supporting